The following is an entry in ClinVar:

NM_002715.4(PPP2CA):c.583A>T (p.Met195Leu)

Gene: PPP2CA (protein phosphatase 2 catalytic subunit alpha; minus strand). Cytogenetic location: 5q31.1.
Variant type: single nucleotide variant.
Coding change: c.583A>T on transcript NM_002715.4 (MANE Select); coding-DNA position 583, A replaced by T.
Protein change: p.Met195Leu; replaces methionine 195 with leucine.
Molecular consequence: missense variant. On other transcripts: non-coding transcript variant (1).
Genome position (GRCh38, 1-based): chr5:134,200,490, T>A on the plus strand (A>T on the coding strand, the complement: PPP2CA is on the minus strand). VCF-style: chr5-134200490-T-A. GRCh37 (hg19) VCF-style: chr5-133536181-T-A.
Other names: c.388A>T, p.Met130Leu (NM_001355019.2); short protein forms M130L, M195L.
Identifiers: ClinVar variation 4529537 (VCV004529537.1).

ClinVar aggregate classification (germline): Uncertain significance (1 of 4 stars; one submission).

Submission:

GeneDx
Classification: Uncertain significance. Last evaluated: 2025-05-13. Review status: criteria provided, single submitter. Criteria: GeneDx Variant Classification Process June 2021. Collection method: clinical testing. Allele origin: germline. Affected: yes.
Comment: Not observed at significant frequency in large population cohorts (gnomAD); In silico analysis supports that this missense variant has a deleterious effect on protein structure/function; Has not been previously published as pathogenic or benign to our knowledge